The following is an entry in ClinVar:

NM_138295.5(PKD1L1):c.6618del (p.Glu2207fs)

Gene: PKD1L1 (polycystin 1 like 1, transient receptor potential channel interacting; minus strand). Cytogenetic location: 7p12.3.
Variant type: Deletion.
Coding change: c.6618del on transcript NM_138295.5 (MANE Select); coding-DNA position 6618, one base deleted (T; older notation c.6618delT).
Protein change: p.Glu2207fs; shifts the reading frame from glutamic acid 2207.
Molecular consequence: frameshift variant.
Genome position (GRCh38, 1-based): chr7:47,829,542, A deleted on the plus strand (T on the coding strand, the reverse complement: PKD1L1 is on the minus strand). VCF-style (leftmost placement, unchanged base first): chr7-47829541-CA-C. GRCh37 (hg19) VCF-style: chr7-47869139-CA-C.
Other names: short protein forms E2207fs.
Identifiers: ClinVar variation 4820106 (VCV004820106.1).

ClinVar aggregate classification (germline): Pathogenic (1 of 4 stars; one submission).

Conditions:
Fetal anomalies with a likely genetic cause.

Submission:

Genetics Laboratory, Great Ormond Street Hospital NHS Foundation Trust, North Thames Genomic Laboratory Hub
Classification: Pathogenic for Fetal anomalies with a likely genetic cause. Last evaluated: 2026-02-13. Review status: criteria provided, single submitter. Criteria: ACGS Best Practice Guidelines for Variant Classification in Rare Disease 2024 v1.2. Collection method: clinical testing. Allele origin: germline. Affected: yes.
Comment: PM2_moderate, PVS1_very-strong, PM3_supporting